The following is an entry in ClinVar:

ClinVar aggregate classification (germline): Uncertain significance (1 of 4 stars; one submission).

Conditions:
Brugada syndrome 8 (BRGDA8). Identifiers: Orphanet 130, MedGen C2751083, MONDO:0013148, OMIM 613123.

gnomAD v4.1: 1 of 1,575,020 alleles (0.000063%); highest among the groups gnomAD compares: Non-Finnish European, 0.000086%; no homozygotes.

Submission:

Labcorp Genetics (formerly Invitae), Labcorp
Classification: Uncertain significance for Brugada syndrome 8. Last evaluated: 2024-04-30. Review status: criteria provided, single submitter. Criteria: Invitae Variant Classification Sherloc (09022015). Collection method: clinical testing. Allele origin: germline.
Comment: This sequence change replaces serine, which is neutral and polar, with alanine, which is neutral and non-polar, at codon 176 of the HCN4 protein (p.Ser176Ala). This variant is not present in population databases (gnomAD no frequency). This variant has not been reported in the literature in individuals affected with HCN4-related conditions. Advanced modeling of protein sequence and biophysical properties (such as structural, functional, and spatial information, amino acid conservation, physicochemical variation, residue mobility, and thermodynamic stability) performed at Invitae indicates that this missense variant is not expected to disrupt HCN4 protein function with a negative predictive value of 95%. In summary, the available evidence is currently insufficient to determine the role of this variant in disease. Therefore, it has been classified as a Variant of Uncertain Significance.

NM_005477.3(HCN4):c.526T>G (p.Ser176Ala)

Gene: HCN4 (hyperpolarization activated cyclic nucleotide gated potassium channel 4; minus strand). Cytogenetic location: 15q24.1.
Variant type: single nucleotide variant.
Coding change: c.526T>G on transcript NM_005477.3 (MANE Select); coding-DNA position 526, T replaced by G.
Protein change: p.Ser176Ala; replaces serine 176 with alanine.
Molecular consequence: missense variant.
Genome position (GRCh38, 1-based): chr15:73,367,745, A>C on the plus strand (T>G on the coding strand, the complement: HCN4 is on the minus strand). VCF-style: chr15-73367745-A-C. GRCh37 (hg19) VCF-style: chr15-73660086-A-C.
Other names: short protein forms S176A.
Identifiers: ClinVar variation 2795998 (VCV002795998.3), dbSNP rs2043135514, ClinGen allele CA393097743.